The following is an entry in ClinVar:

NM_000059.4(BRCA2):c.8087T>A (p.Leu2696Ter)

Gene: BRCA2 (BRCA2 DNA repair associated; plus strand). Cytogenetic location: 13q13.1.
Variant type: single nucleotide variant.
Coding change: c.8087T>A on transcript NM_000059.4 (MANE Select); coding-DNA position 8087, T replaced by A.
Protein change: p.Leu2696Ter; replaces leucine 2696 with a stop codon.
Molecular consequence: nonsense.
Genome position (GRCh38, 1-based): chr13:32,363,289, T>A. VCF-style: chr13-32363289-T-A. GRCh37 (hg19) VCF-style: chr13-32937426-T-A.
Other names: short protein forms L2696*.
Identifiers: ClinVar variation 52501 (VCV000052501.15), dbSNP rs80359050, ClinGen allele CA025447.

ClinVar aggregate classification (germline): Pathogenic. Review status: reviewed by expert panel (3 of 4 stars). 7 submissions from 7 submitters: Pathogenic (1). 6 of the submissions do not count toward it. Last evaluated 2016-09-08.

Conditions:
Hereditary breast ovarian cancer syndrome. Also called: Hereditary breast and ovarian cancer syndrome; Hereditary breast and ovarian cancer; Hereditary breast and ovarian cancer syndrome (HBOC); Breast and ovarian cancer; Hereditary breast and/or ovarian cancer syndrome; BRCA1- and BRCA2-Associated Hereditary Breast and Ovarian Cancer. Identifiers: Orphanet 145, MedGen C0677776, MeSH D061325, MONDO:0003582. Disease mechanism: loss of function.
Familial cancer of breast. Also called: BREAST CANCER, FAMILIAL; Hereditary breast cancer; hereditary breast carcinoma. Identifiers: Orphanet 227535, MedGen C0346153, MONDO:0016419, OMIM 114480. Disease mechanism: loss of function.
Hereditary cancer-predisposing syndrome. Also called: Neoplastic Syndromes, Hereditary; Tumor predisposition; Hereditary neoplastic syndrome; Hereditary Cancer Syndrome. Identifiers: Orphanet 140162, MedGen C0027672, MeSH D009386, MONDO:0015356.
Breast-ovarian cancer, familial, susceptibility to, 2 (BROVCA2). Also called: BRCA2 Hereditary Breast and Ovarian Cancer. Identifiers: Orphanet 145, MedGen C2675520, MONDO:0012933, OMIM 612555. Disease mechanism: loss of function.

Submissions (7):

Evidence-based Network for the Interpretation of Germline Mutant Alleles (ENIGMA)
Classification: Pathogenic for Breast-ovarian cancer, familial, susceptibility to, 2. Last evaluated: 2016-09-08. Review status: reviewed by expert panel. Criteria: ENIGMA BRCA1/2 Classification Criteria (2015). Collection method: curation. Allele origin: germline.
Comment: Variant allele predicted to encode a truncated non-functional protein.

Ambry Genetics
Classification: Pathogenic for Hereditary cancer-predisposing syndrome. Last evaluated: 2023-08-09. Review status: criteria provided, single submitter. Criteria: Ambry Variant Classification Scheme 2023. Collection method: clinical testing. Allele origin: germline. Not counted in ClinVar's aggregate classification.
Comment: The p.L2696* pathogenic mutation (also known as c.8087T>A), located in coding exon 17 of the BRCA2 gene, results from a T to A substitution at nucleotide position 8087. This changes the amino acid from a leucine to a stop codon within coding exon 17. This alteration has been reported in a breast cancer patient (Ozmen V et al. Oncol Lett, 2022 Apr;23:118). This variant is considered to be rare based on population cohorts in the Genome Aggregation Database (gnomAD). In addition to the clinical data presented in the literature, this alteration is expected to result in loss of function by premature protein truncation or nonsense-mediated mRNA decay. As such, this alteration is interpreted as a disease-causing mutation.

GeneDx
Classification: Pathogenic. Last evaluated: 2023-08-02. Review status: criteria provided, single submitter. Criteria: GeneDx Variant Classification Process June 2021. Collection method: clinical testing. Allele origin: germline. Affected: yes. Not counted in ClinVar's aggregate classification.
Comment: Nonsense variant predicted to result in protein truncation or nonsense mediated decay in a gene for which loss of function is a known mechanism of disease; Not observed at significant frequency in large population cohorts (gnomAD); Truncating variants in this gene are considered pathogenic by a well-established clinical consortium and/or database; Also known as 8315T>A; Observed in individuals with a personal or family history consistent with pathogenic variants in this gene (Rebbeck et al., 2018; Tsaousis et al., 2019; Ozmen et al., 2022); This variant is associated with the following publications: (PMID: 35261632, 29446198, 31159747, 20104584)

Labcorp Genetics (formerly Invitae), Labcorp
Classification: Pathogenic for Hereditary breast ovarian cancer syndrome. Last evaluated: 2023-03-08. Review status: criteria provided, single submitter. Criteria: Invitae Variant Classification Sherloc (09022015). Collection method: clinical testing. Allele origin: germline. Not counted in ClinVar's aggregate classification.
Comment: This sequence change creates a premature translational stop signal (p.Leu2696*) in the BRCA2 gene. It is expected to result in an absent or disrupted protein product. Loss-of-function variants in BRCA2 are known to be pathogenic (PMID: 20104584). This variant is not present in population databases (gnomAD no frequency). This premature translational stop signal has been observed in individual(s) with a personal or family history of breast and/or ovarian cancer (PMID: 31159747). ClinVar contains an entry for this variant (Variation ID: 52501). For these reasons, this variant has been classified as Pathogenic.

GeneKor MSA
Classification: Pathogenic for Familial cancer of breast. Last evaluated: 2021-01-09. Review status: criteria provided, single submitter. Criteria: ACMG Guidelines, 2015. Collection method: clinical testing. Allele origin: germline. Not counted in ClinVar's aggregate classification.
Comment: This sequence change creates a premature translational stop signal at codon 2696 of the BRCA2 protein. It is expected to result in an absent or disrupted protein product. Truncating variants in BRCA2 are known to be pathogenic. The mutation database Clinvar contains an entry for this variant (Variation ID: 52501).

Consortium of Investigators of Modifiers of BRCA1/2 (CIMBA), c/o University of Cambridge
Classification: Pathogenic for Breast-ovarian cancer, familial, susceptibility to, 2. Last evaluated: 2015-10-02. Review status: criteria provided, single submitter. Criteria: CIMBA Mutation Classification guidelines May 2016. Collection method: clinical testing. Allele origin: germline. Not counted in ClinVar's aggregate classification.

Breast Cancer Information Core (BIC) (BRCA2)
Classification: Pathogenic for Breast-ovarian cancer, familial 2. Last evaluated: 2004-02-20. Review status: no assertion criteria provided. Collection method: clinical testing. Allele origin: germline. Affected: yes. Observed: 1 variant allele. Not counted in ClinVar's aggregate classification.

Literature cited by the submitters: PubMed 35261632 (cited by Ambry Genetics); PubMed 20104584 (cited by Labcorp Genetics (formerly Invitae), Labcorp); PubMed 31159747 (cited by Labcorp Genetics (formerly Invitae), Labcorp).